The following is an entry in ClinVar:

NM_207361.6(FREM2):c.2233= (p.Pro745=)

Gene: FREM2 (FRAS1 related extracellular matrix 2; plus strand). Cytogenetic location: 13q13.3.
Variant type: single nucleotide variant.
Coding change: c.2233= on transcript NM_207361.6 (MANE Select); coding-DNA position 2233, no change from the reference sequence.
Protein change: p.Pro745=; no amino-acid change (proline 745 retained).
Molecular consequence: no sequence alteration.
Genome position: GRCh38 VCF-style: chr13-38689577-C-C. GRCh37 (hg19) VCF-style: chr13-39263714-T-C.
Identifiers: ClinVar variation 193536 (VCV000193536.25), dbSNP rs2496423.

ClinVar aggregate classification (germline): Benign. Review status: criteria provided, multiple submitters, no conflicts (2 of 4 stars). 8 submissions from 8 submitters: Benign (6). 2 of the submissions do not count toward it. Last evaluated 2026-02-04.

Conditions:
Fraser syndrome 2 (FRASRS2). Identifiers: MedGen C4540036, MONDO:0054738, OMIM 617666.

Allele frequency attached by ClinVar (database versions not stated): TOPMed 0.99992; gnomAD 0.99994 and 0.99995; gnomAD exomes 0.99999.

Submissions (8):

Labcorp Genetics (formerly Invitae), Labcorp
Classification: Benign. Last evaluated: 2026-02-04. Review status: criteria provided, single submitter. Criteria: Invitae Variant Classification Sherloc (09022015). Collection method: clinical testing. Allele origin: germline.

Blueprint Genetics
Classification: Benign. Last evaluated: 2024-11-27. Review status: criteria provided, single submitter. Criteria: ACMG Guidelines, 2015. Collection method: clinical testing. Allele origin: germline.

Illumina Laboratory Services, Illumina
Classification: Benign for Fraser syndrome 2. Last evaluated: 2018-01-13. Review status: criteria provided, single submitter. Criteria: ICSL Variant Classification Criteria 13 December 2019. Collection method: clinical testing. Allele origin: germline.
Comment: This variant was observed in the ICSL laboratory as part of a predisposition screen in an ostensibly healthy population. It had not been previously curated by ICSL or reported in the Human Gene Mutation Database (HGMD: prior to June 1st, 2018), and was therefore a candidate for classification through an automated scoring system. Utilizing variant allele frequency, disease prevalence and penetrance estimates, and inheritance mode, an automated score was calculated to assess if this variant is too frequent to cause the disease. Based on the score and internal cut-off values, a variant classified as benign is not then subjected to further curation. The score for this variant resulted in a classification of benign for this disease.

Eurofins Ntd Llc (ga)
Classification: Benign. Last evaluated: 2014-10-21. Review status: criteria provided, single submitter. Criteria: EGL Classification Definitions 2015. Collection method: clinical testing. Allele origin: germline. Observed: 1 variant allele, 1 homozygote.

Breakthrough Genomics
Classification: Benign. Review status: criteria provided, single submitter. Criteria: ACMG Guidelines, 2015. Collection method: not provided. Allele origin: germline. Inheritance: Autosomal recessive inheritance. Affected: yes.

PreventionGenetics, part of Exact Sciences
Classification: Benign. Review status: criteria provided, single submitter. Criteria: ACMG Guidelines, 2015. Collection method: clinical testing. Allele origin: germline.

Diagnostic Laboratory, Department of Genetics, University Medical Center Groningen
Classification: Benign. Review status: no assertion criteria provided. Collection method: clinical testing. Allele origin: germline. Affected: yes. Study: VKGL Data-share Consensus. Not counted in ClinVar's aggregate classification.

Genome Diagnostics Laboratory, University Medical Center Utrecht
Classification: Benign. Review status: no assertion criteria provided. Collection method: clinical testing. Allele origin: germline. Affected: yes. Study: VKGL Data-share Consensus. Not counted in ClinVar's aggregate classification.